The following is an entry in ClinVar:

ClinVar aggregate classification (germline): Uncertain significance. Review status: criteria provided, multiple submitters, no conflicts (2 of 4 stars). 3 submissions from 3 submitters: Uncertain significance (3). Last evaluated 2019-09-26.

Conditions:
Dilated cardiomyopathy 1G (CMD1G). Identifiers: Orphanet 154, MedGen C1858763, MONDO:0011400, OMIM 604145.
Autosomal recessive limb-girdle muscular dystrophy type 2J (LGMDR10). Also called: MUSCULAR DYSTROPHY, LIMB-GIRDLE, AUTOSOMAL RECESSIVE 10; Limb-girdle muscular dystrophy, type 2J. Identifiers: Orphanet 140922, MedGen C1837342, MONDO:0012127, OMIM 608807.

Allele frequency attached by ClinVar (database versions not stated): gnomAD exomes below 0.00001; TOPMed below 0.00001; ExAC 0.00001.
gnomAD v4.1: 1 of 1,611,624 alleles (0.000062%); highest among the groups gnomAD compares: Admixed American, 0.0017%; no homozygotes.

Submissions (3):

Revvity Omics, Revvity
Classification: Uncertain significance. Last evaluated: 2019-09-26. Review status: criteria provided, single submitter. Criteria: ACMG Guidelines, 2015. Collection method: clinical testing. Allele origin: germline.

Labcorp Genetics (formerly Invitae), Labcorp
Classification: Uncertain significance for Dilated cardiomyopathy 1G; Autosomal recessive limb-girdle muscular dystrophy type 2J. Last evaluated: 2017-07-26. Review status: criteria provided, single submitter. Criteria: Invitae Variant Classification Sherloc (09022015). Collection method: clinical testing. Allele origin: germline.

GeneDx
Classification: Uncertain significance. Last evaluated: 2015-01-30. Review status: criteria provided, single submitter. Criteria: GeneDx Variant Classification (06012015). Collection method: clinical testing. Allele origin: germline. Affected: yes.
Comment: Missense variants in the TTN gene are considered 'unclassified' if they are not previously reported in the literature and do not have >1% frequency in the population to be considered a polymorphism. Research indicates that truncating mutations in the TTN gene are expected to account for approximately 25% of familial and 18% of sporadic idiopathic DCM; however, truncating variants in the TTN gene have been reported in approximately 3% of reported control alleles. There has been little investigation into non-truncating variants. (Herman D et al. Truncations of titin causing dilated cardiomyopathy. N Eng J Med 366:619-628, 2012) The variant is found in DCM-CRDM panel(s).

NM_001267550.2(TTN):c.53659C>T (p.Arg17887Cys)

Genes: TTN (titin; minus strand), TTN-AS1 (TTN antisense RNA 1; plus strand). Cytogenetic location: 2q31.2.
Variant type: single nucleotide variant.
Coding change: c.53659C>T on transcript NM_001267550.2 (MANE Select); coding-DNA position 53659, C replaced by T.
Protein change: p.Arg17887Cys; replaces arginine 17887 with cysteine.
Molecular consequence: missense variant.
Genome position (GRCh38, 1-based): chr2:178,605,636, G>A on the plus strand (C>T on the coding strand, the complement: TTN is on the minus strand). VCF-style: chr2-178605636-G-A. GRCh37 (hg19) VCF-style: chr2-179470363-G-A.
Other names: p.R16246C:CGC>TGC; c.48736C>T, p.Arg16246Cys (NM_001256850.1); c.26464C>T, p.Arg8822Cys (NM_003319.4); c.45955C>T, p.Arg15319Cys (NM_133378.4); c.26839C>T, p.Arg8947Cys (NM_133432.3); c.27040C>T, p.Arg9014Cys (NM_133437.4); short protein forms R16246C, R17887C, R15319C, R9014C, R8822C, R8947C.
Identifiers: ClinVar variation 202709 (VCV000202709.7), dbSNP rs771307468, ClinGen allele CA310049.